The following is an entry in ClinVar:

NM_021828.5(HPSE2):c.448+1G>C

Gene: HPSE2 (heparanase 2 (inactive); minus strand). Cytogenetic location: 10q24.2.
Variant type: single nucleotide variant.
Coding change: c.448+1G>C on transcript NM_021828.5 (MANE Select); the canonical splice donor site of the intron after coding-DNA position 448, G replaced by C.
Molecular consequence: splice donor variant.
Genome position (GRCh38, 1-based): chr10:99,232,347, C>G on the plus strand (G>C on the coding strand, the complement: HPSE2 is on the minus strand). VCF-style: chr10-99232347-C-G. GRCh37 (hg19) VCF-style: chr10-100992104-C-G.
Other names: c.448+1G>C (NM_001166245.1, NM_001166244.1, NM_001166246.1).
Identifiers: ClinVar variation 2839216 (VCV002839216.3), dbSNP rs2493847217, ClinGen allele CA378250447.
Genomic context (GRCh38, chr10:99,232,347, plus strand): 5'-ACAAACACAGCGGGTGCTTGCTTCCGCTCCCCAAATAAAGAATGGTAATCAAGTTTCTCA[C>G]CATCCTCATAGTTTTTGAGATAGTAATCCGGGCCCGGGCCCCCGCGGCTTTTCGCCGGGT-3'

ClinVar aggregate classification (germline): Likely pathogenic (1 of 4 stars; one submission).

Submission:

Labcorp Genetics (formerly Invitae), Labcorp
Classification: Likely pathogenic. Last evaluated: 2025-06-12. Review status: criteria provided, single submitter. Criteria: Invitae Variant Classification Sherloc (09022015). Collection method: clinical testing. Allele origin: germline.
Comment: This sequence change affects a donor splice site in intron 2 of the HPSE2 gene. It is expected to disrupt RNA splicing. Variants that disrupt the donor or acceptor splice site typically lead to a loss of protein function (PMID: 16199547), and loss-of-function variants in HPSE2 are known to be pathogenic (PMID: 20560210, 25510506). This variant is not present in population databases (gnomAD no frequency). This variant has not been reported in the literature in individuals affected with HPSE2-related conditions. ClinVar contains an entry for this variant (Variation ID: 2839216). Algorithms developed to predict the effect of sequence changes on RNA splicing suggest that this variant may disrupt the consensus splice site. In summary, the currently available evidence indicates that the variant is pathogenic, but additional data are needed to prove that conclusively. Therefore, this variant has been classified as Likely Pathogenic.

Literature cited by the submitters: PubMed 16199547; PubMed 20560210; PubMed 25510506.